The following is an entry in ClinVar:

NM_001384732.1(CPLANE1):c.8286C>T (p.Asp2762=)

Gene: CPLANE1 (ciliogenesis and planar polarity effector complex subunit 1; minus strand). Cytogenetic location: 5p13.2.
Variant type: single nucleotide variant.
Coding change: c.8286C>T on transcript NM_001384732.1 (MANE Select); coding-DNA position 8286, C replaced by T.
Protein change: p.Asp2762=; no amino-acid change (aspartic acid 2762 retained).
Molecular consequence: synonymous variant.
Genome position (GRCh38, 1-based): chr5:37,153,827, G>A on the plus strand (C>T on the coding strand, the complement: CPLANE1 is on the minus strand). VCF-style: chr5-37153827-G-A. GRCh37 (hg19) VCF-style: chr5-37153929-G-A.
Other names: p.Asp2708=; c.8124C>T, p.Asp2708= (NM_023073.4).
Identifiers: ClinVar variation 158054 (VCV000158054.55), dbSNP rs114126795, ClinGen allele CA171464.

ClinVar aggregate classification (germline): Benign/Likely benign. Review status: criteria provided, multiple submitters, no conflicts (2 of 4 stars). 10 submissions from 10 submitters: Benign (6); Likely benign (2). 2 of the submissions do not count toward it. Last evaluated 2026-06-01.

Conditions:
Joubert syndrome 17 (JBTS17). Identifiers: Orphanet 475, MedGen C3553264, MONDO:0013824, OMIM 614615.

Allele frequency attached by ClinVar (database versions not stated): 1000 Genomes Project 30x 0.00375; TOPMed 0.00440; 1000 Genomes Project 0.00459; ESP Exome Variant Server 0.00577; gnomAD 0.00589; gnomAD exomes 0.00636; ExAC 0.00638.
gnomAD v4.1: 12,386 of 1,614,050 alleles (0.77%); highest among the groups gnomAD compares: South Asian, 1.3%; 89 homozygotes.

Submissions (10):

CeGaT Center for Human Genetics Tuebingen
Classification: Benign. Last evaluated: 2026-06-01. Review status: criteria provided, single submitter. Criteria: CeGaT Center For Human Genetics Tuebingen Variant Classification Criteria Version 2. Collection method: clinical testing. Allele origin: germline. Affected: yes. Observed: 17 variant alleles.
Comment: CPLANE1: BP4, BP7, BS1, BS2

Labcorp Genetics (formerly Invitae), Labcorp
Classification: Benign. Last evaluated: 2026-02-04. Review status: criteria provided, single submitter. Criteria: Invitae Variant Classification Sherloc (09022015). Collection method: clinical testing. Allele origin: germline.

Mayo Clinic Laboratories, Mayo Clinic
Classification: Benign. Last evaluated: 2024-11-25. Review status: criteria provided, single submitter. Criteria: ACMG Guidelines, 2015. Collection method: clinical testing. Allele origin: germline. Observed: 1 variant allele.
Comment: BS1, BS2, BP4, BP7

Illumina Laboratory Services, Illumina
Classification: Likely benign for Joubert syndrome 17. Last evaluated: 2018-01-12. Review status: criteria provided, single submitter. Criteria: ICSL Variant Classification Criteria 13 December 2019. Collection method: clinical testing. Allele origin: germline.
Comment: This variant was observed in the ICSL laboratory as part of a predisposition screen in an ostensibly healthy population. It had not been previously curated by ICSL or reported in the Human Gene Mutation Database (HGMD: prior to June 1st, 2018), and was therefore a candidate for classification through an automated scoring system. Utilizing variant allele frequency, disease prevalence and penetrance estimates, and inheritance mode, an automated score was calculated to assess if this variant is too frequent to cause the disease. Based on the score and internal cut-off values, a variant classified as likely benign is not then subjected to further curation. The score for this variant resulted in a classification of likely benign for this disease.

Clinical Genetics DNA and cytogenetics Diagnostics Lab, Erasmus MC, Erasmus Medical Center
Classification: Benign for Joubert syndrome 17. Last evaluated: 2017-06-28. Review status: criteria provided, single submitter. Criteria: ACGS Guidelines, 2013. Collection method: clinical testing. Allele origin: germline. Affected: yes. Study: VKGL Data-share Consensus.

GeneDx
Classification: Benign. Last evaluated: 2016-07-05. Review status: criteria provided, single submitter. Criteria: GeneDx Variant Classification (06012015). Collection method: clinical testing. Allele origin: germline. Affected: yes.
Comment: This variant is considered likely benign or benign based on one or more of the following criteria: it is a conservative change, it occurs at a poorly conserved position in the protein, it is predicted to be benign by multiple in silico algorithms, and/or has population frequency not consistent with disease.

Eurofins Ntd Llc (ga)
Classification: Benign. Last evaluated: 2015-07-09. Review status: criteria provided, single submitter. Criteria: EGL Classification Definitions 2015. Collection method: clinical testing. Allele origin: germline. Observed: 1 variant allele, 1 heterozygote.

Breakthrough Genomics
Classification: Likely benign. Review status: criteria provided, single submitter. Criteria: ACMG Guidelines, 2015. Collection method: not provided. Allele origin: germline. Inheritance: Autosomal recessive inheritance. Affected: yes.

Clinical Genetics, Academic Medical Center
Classification: Benign. Review status: no assertion criteria provided. Collection method: clinical testing. Allele origin: germline. Affected: yes. Study: VKGL Data-share Consensus. Not counted in ClinVar's aggregate classification.

Genetic Services Laboratory, University of Chicago
Classification: Likely benign. Review status: no assertion criteria provided. Collection method: clinical testing. Allele origin: germline. Inheritance: Autosomal recessive inheritance. Not counted in ClinVar's aggregate classification.
Comment: Likely benign based on allele frequency in 1000 Genomes Project or ESP global frequency and its presence in a patient with a rare or unrelated disease phenotype. NOT Sanger confirmed